The following is an entry in ClinVar:

NM_004984.4(KIF5A):c.475G>A (p.Asp159Asn)

Gene: KIF5A (kinesin family member 5A; plus strand). Cytogenetic location: 12q13.3.
Variant type: single nucleotide variant.
Coding change: c.475G>A on transcript NM_004984.4 (MANE Select); coding-DNA position 475, G replaced by A.
Protein change: p.Asp159Asn; replaces aspartic acid 159 with asparagine.
Molecular consequence: missense variant.
Genome position (GRCh38, 1-based): chr12:57,564,947, G>A. VCF-style: chr12-57564947-G-A. GRCh37 (hg19) VCF-style: chr12-57958730-G-A.
Other names: c.208G>A, p.Asp70Asn (NM_001354705.2); short protein forms D159N, D70N.
Identifiers: ClinVar variation 4803044 (VCV004803044.1).

ClinVar aggregate classification (germline): Uncertain significance (1 of 4 stars; one submission).

Conditions:
Spastic paraplegia. Identifiers: MedGen C0037772, HP:0001258.

Submission:

Labcorp Genetics (formerly Invitae), Labcorp
Classification: Uncertain significance for Spastic paraplegia. Last evaluated: 2025-05-04. Review status: criteria provided, single submitter. Criteria: Invitae Variant Classification Sherloc (09022015). Collection method: clinical testing. Allele origin: germline.
Comment: This sequence change replaces aspartic acid, which is acidic and polar, with asparagine, which is neutral and polar, at codon 159 of the KIF5A protein (p.Asp159Asn). This variant is not present in population databases (gnomAD no frequency). This variant has not been reported in the literature in individuals affected with KIF5A-related conditions. Invitae Evidence Modeling of protein sequence and biophysical properties (such as structural, functional, and spatial information, amino acid conservation, physicochemical variation, residue mobility, and thermodynamic stability) has been performed for this missense variant. However, the output from this modeling did not meet the statistical confidence thresholds required to predict the impact of this variant on KIF5A protein function. In summary, the available evidence is currently insufficient to determine the role of this variant in disease. Therefore, it has been classified as a Variant of Uncertain Significance.